The following is an entry in ClinVar:

ClinVar aggregate classification (germline): Uncertain significance (1 of 4 stars; one submission).

Conditions:
Hereditary cancer-predisposing syndrome. Also called: Hereditary Cancer Syndrome; Hereditary neoplastic syndrome; Neoplastic Syndromes, Hereditary; Tumor predisposition. Identifiers: Orphanet 140162, MedGen C0027672, MeSH D009386, MONDO:0015356.

gnomAD v4.1: 1 of 1,614,010 alleles (0.000062%); highest among the groups gnomAD compares: Non-Finnish European, 0.000085%; no homozygotes.

Submission:

Ambry Genetics
Classification: Uncertain significance for Hereditary cancer-predisposing syndrome. Last evaluated: 2025-01-02. Review status: criteria provided, single submitter. Criteria: Ambry Variant Classification Scheme 2023. Collection method: clinical testing. Allele origin: germline.
Comment: The p.P474R variant (also known as c.1421C>G), located in coding exon 13 of the BAP1 gene, results from a C to G substitution at nucleotide position 1421. The proline at codon 474 is replaced by arginine, an amino acid with dissimilar properties. This amino acid position is well conserved in available vertebrate species. In addition, this alteration is predicted to be tolerated by in silico analysis. Based on the available evidence, the clinical significance of this variant remains unclear.

NM_004656.4(BAP1):c.1421C>G (p.Pro474Arg)

Gene: BAP1 (BRCA1 associated deubiquitinase 1; minus strand). Cytogenetic location: 3p21.1.
Variant type: single nucleotide variant.
Coding change: c.1421C>G on transcript NM_004656.4 (MANE Select); coding-DNA position 1421, C replaced by G.
Protein change: p.Pro474Arg; replaces proline 474 with arginine.
Molecular consequence: missense variant.
Genome position (GRCh38, 1-based): chr3:52,403,724, G>C on the plus strand (C>G on the coding strand, the complement: BAP1 is on the minus strand). VCF-style: chr3-52403724-G-C. GRCh37 (hg19) VCF-style: chr3-52437740-G-C.
Other names: c.1367C>G, p.Pro456Arg (NM_001410772.1); short protein forms P456R, P474R.
Identifiers: ClinVar variation 1772267 (VCV001772267.3), dbSNP rs770422186, ClinGen allele CA353101435.
Genomic context (GRCh38, chr3:52,403,724, plus strand): 5'-TCTGTACTCTCATTGCTGGGGGTGGGTGAGGGCTGCGAGTGTGTGGGCACTGCCACAGCC[G>C]GACTCCCAGCCCCGCTGCTAGTCTTGATGGACAGAGGAATTGAGAGGTCCTTCTGGGACT-3'
Protein context (NP_004647.1, residues 464-484): SIKTSSGAGS[Pro474Arg]AVAVPTHSQP